The following is an entry in ClinVar:

ClinVar aggregate classification (germline): Pathogenic (1 of 4 stars; one submission).

Conditions:
RYR1-related disorder. Also called: RYR1-related disorders; RYR1-related condition. Identifiers: MedGen CN239331.

Submission:

Labcorp Genetics (formerly Invitae), Labcorp
Classification: Pathogenic for RYR1-related disorder. Last evaluated: 2019-10-30. Review status: criteria provided, single submitter. Criteria: Invitae Variant Classification Sherloc (09022015). Collection method: clinical testing. Allele origin: germline.
Comment: Loss-of-function variants in RYR1 are known to be pathogenic (PMID: 20583297, 20839240, 23919265, 28818389). For these reasons, this variant has been classified as Pathogenic. This variant has not been reported in the literature in individuals with RYR1-related conditions. The frequency data for this variant in the population databases is considered unreliable, as metrics indicate insufficient coverage at this position in the ExAC database. This sequence change creates a premature translational stop signal (p.Thr4441Profs*138) in the RYR1 gene. It is expected to result in an absent or disrupted protein product.

Literature cited by the submitters: PubMed 20583297; PubMed 20839240; PubMed 23919265; PubMed 28818389.

NM_000540.3(RYR1):c.13321_13331del (p.Thr4441fs)

Genes: RYR1 (ryanodine receptor 1; plus strand), LOC130064357 (ATAC-STARR-seq lymphoblastoid silent region 10577; plus strand). Cytogenetic location: 19q13.2.
Variant type: Deletion.
Coding change: c.13321_13331del on transcript NM_000540.3 (MANE Select); coding-DNA positions 13321 to 13331, 11 bases deleted (ACCGATGGGGG).
Protein change: p.Thr4441fs; shifts the reading frame from threonine 4441.
Molecular consequence: frameshift variant.
Genome position (GRCh38, 1-based): chr19:38,565,655-38,565,665, ACCGATGGGGG deleted; deleting any 11 consecutive bases within chr19:38,565,654-38,565,665 gives the same sequence; the c. name uses the placement nearest the transcript's 3' end. VCF-style (leftmost placement, unchanged base first): chr19-38565653-TGACCGATGGGG-T. GRCh37 (hg19) VCF-style: chr19-39056293-TGACCGATGGGG-T.
Other names: c.13306_13316del, p.Thr4436fs (NM_001042723.2); short protein forms T4436fs, T4441fs.
Identifiers: ClinVar variation 967750 (VCV000967750.8), dbSNP rs1973381731, ClinGen allele CA1139666439.